The following is an entry in ClinVar:

NM_000540.3(RYR1):c.4429G>A (p.Asp1477Asn)

Gene: RYR1 (ryanodine receptor 1; plus strand). Cytogenetic location: 19q13.2.
Variant type: single nucleotide variant.
Coding change: c.4429G>A on transcript NM_000540.3 (MANE Select); coding-DNA position 4429, G replaced by A.
Protein change: p.Asp1477Asn; replaces aspartic acid 1477 with asparagine.
Molecular consequence: missense variant.
Genome position (GRCh38, 1-based): chr19:38,477,845, G>A. VCF-style: chr19-38477845-G-A. GRCh37 (hg19) VCF-style: chr19-38968485-G-A.
Other names: c.4429G>A, p.Asp1477Asn (NM_001042723.2); short protein forms D1477N.
Identifiers: ClinVar variation 954376 (VCV000954376.10), dbSNP rs1968812982, ClinGen allele CA405646255.
Genomic context (GRCh38, chr19:38,477,845, plus strand): 5'-CATCAGCACGACATGAGCTTCGACCTCAGCAAGGTCCGGGTCGTGACGGTGACCATGGGG[G>A]ATGAACAAGGCAACGTCCACAGCAGGTGCCGGGGCTGGGGGGAGGTGGGAGGTGCAGGGT-3'
Protein context (NP_000531.2, residues 1467-1487): KVRVVTVTMG[Asp1477Asn]EQGNVHSSLK

ClinVar aggregate classification (germline): Uncertain significance. Review status: criteria provided, multiple submitters, no conflicts (2 of 4 stars). 2 submissions from 2 submitters: Uncertain significance (2). Last evaluated 2023-12-11.

Conditions:
Inborn genetic diseases. Identifiers: MedGen C0950123, MeSH D030342.
RYR1-related disorder. Also called: RYR1-related disorders; RYR1-related condition. Identifiers: MedGen CN239331.

Submissions (2):

Ambry Genetics
Classification: Uncertain significance for Inborn genetic diseases. Last evaluated: 2023-12-11. Review status: criteria provided, single submitter. Criteria: Ambry Variant Classification Scheme 2023. Collection method: clinical testing. Allele origin: germline.

Labcorp Genetics (formerly Invitae), Labcorp
Classification: Uncertain significance for RYR1-related disorder. Last evaluated: 2022-06-04. Review status: criteria provided, single submitter. Criteria: Invitae Variant Classification Sherloc (09022015). Collection method: clinical testing. Allele origin: germline.
Comment: This variant has not been reported in the literature in individuals affected with RYR1-related conditions. This sequence change replaces aspartic acid, which is acidic and polar, with asparagine, which is neutral and polar, at codon 1477 of the RYR1 protein (p.Asp1477Asn). This variant is not present in population databases (gnomAD no frequency). ClinVar contains an entry for this variant (Variation ID: 954376). Advanced modeling of protein sequence and biophysical properties (such as structural, functional, and spatial information, amino acid conservation, physicochemical variation, residue mobility, and thermodynamic stability) performed at Invitae indicates that this missense variant is not expected to disrupt RYR1 protein function. In summary, the available evidence is currently insufficient to determine the role of this variant in disease. Therefore, it has been classified as a Variant of Uncertain Significance.